The following is an entry in ClinVar:

ClinVar aggregate classification (germline): Uncertain significance (1 of 4 stars; one submission).

Submission:

Labcorp Genetics (formerly Invitae), Labcorp
Classification: Uncertain significance. Last evaluated: 2021-05-29. Review status: criteria provided, single submitter. Criteria: Invitae Variant Classification Sherloc (09022015). Collection method: clinical testing. Allele origin: germline.
Comment: In summary, the available evidence is currently insufficient to determine the role of this variant in disease. Therefore, it has been classified as a Variant of Uncertain Significance. Algorithms developed to predict the effect of missense changes on protein structure and function are either unavailable or do not agree on the potential impact of this missense change (SIFT: "Tolerated"; PolyPhen-2: "Possibly Damaging"; Align-GVGD: "Class C0"). This variant has not been reported in the literature in individuals with PCNT-related conditions. This variant is not present in population databases (ExAC no frequency). This sequence change replaces phenylalanine with serine at codon 1940 of the PCNT protein (p.Phe1940Ser). The phenylalanine residue is moderately conserved and there is a large physicochemical difference between phenylalanine and serine.

NM_006031.6(PCNT):c.5819T>C (p.Phe1940Ser)

Gene: PCNT (pericentrin; plus strand). Cytogenetic location: 21q22.3.
Variant type: single nucleotide variant.
Coding change: c.5819T>C on transcript NM_006031.6 (MANE Select); coding-DNA position 5819, T replaced by C.
Protein change: p.Phe1940Ser; replaces phenylalanine 1940 with serine.
Molecular consequence: missense variant.
Genome position (GRCh38, 1-based): chr21:46,411,892, T>C. VCF-style: chr21-46411892-T-C. GRCh37 (hg19) VCF-style: chr21-47831806-T-C.
Other names: c.5465T>C, p.Phe1822Ser (NM_001315529.2); short protein forms F1822S, F1940S.
Identifiers: ClinVar variation 1426039 (VCV001426039.8), dbSNP rs1460538855, ClinGen allele CA410557073.
Genomic context (GRCh38, chr21:46,411,892, plus strand): 5'-AGTGGCTCCGAGCGCAGTGTGCCCGCCTCAGCCGCCAGCTGCAGGTGCTGCACCAGCGGT[T>C]CCTGAGGTGCCAGGTGGAGCTGGACAGGCGGCAGGCCCGCAGAGCCACAGCTCACACACG-3'
Protein context (NP_006022.3, residues 1930-1950): SRQLQVLHQR[Phe1940Ser]LRCQVELDRR